The following is an entry in ClinVar:

ClinVar aggregate classification (germline): Uncertain significance (1 of 4 stars; one submission).

Allele frequency attached by ClinVar (database versions not stated): gnomAD exomes 0.00003; TOPMed 0.00007; ExAC 0.00008; gnomAD 0.00011; 1000 Genomes Project 0.00040; 1000 Genomes Project 30x 0.00047.
gnomAD v4.1: 60 of 1,605,438 alleles (0.0037%); highest among the groups gnomAD compares: African/African-American, 0.031%; no homozygotes.

Submission:

Labcorp Genetics (formerly Invitae), Labcorp
Classification: Uncertain significance. Last evaluated: 2022-04-30. Review status: criteria provided, single submitter. Criteria: Invitae Variant Classification Sherloc (09022015). Collection method: clinical testing. Allele origin: germline.
Comment: This sequence change replaces valine, which is neutral and non-polar, with isoleucine, which is neutral and non-polar, at codon 260 of the ADAMTS17 protein (p.Val260Ile). This variant is present in population databases (rs547286210, gnomAD 0.03%). This variant has not been reported in the literature in individuals affected with ADAMTS17-related conditions. Algorithms developed to predict the effect of missense changes on protein structure and function are either unavailable or do not agree on the potential impact of this missense change (SIFT: "Not Available"; PolyPhen-2: "Benign"; Align-GVGD: "Not Available"). In summary, the available evidence is currently insufficient to determine the role of this variant in disease. Therefore, it has been classified as a Variant of Uncertain Significance.

NM_139057.4(ADAMTS17):c.778G>A (p.Val260Ile)

Gene: ADAMTS17 (ADAM metallopeptidase with thrombospondin type 1 motif 17; minus strand). Cytogenetic location: 15q26.3.
Variant type: single nucleotide variant.
Coding change: c.778G>A on transcript NM_139057.4 (MANE Select); coding-DNA position 778, G replaced by A.
Protein change: p.Val260Ile; replaces valine 260 with isoleucine.
Molecular consequence: missense variant.
Genome position (GRCh38, 1-based): chr15:100,281,240, C>T on the plus strand (G>A on the coding strand, the complement: ADAMTS17 is on the minus strand). VCF-style: chr15-100281240-C-T. GRCh37 (hg19) VCF-style: chr15-100821445-C-T.
Other names: short protein forms V260I.
Identifiers: ClinVar variation 2193113 (VCV002193113.1), dbSNP rs547286210, ClinGen allele CA7758577.